The following is an entry in ClinVar:

NM_001035.3(RYR2):c.10076T>C (p.Phe3359Ser)

Gene: RYR2 (ryanodine receptor 2; plus strand). Cytogenetic location: 1q43.
Variant type: single nucleotide variant.
Coding change: c.10076T>C on transcript NM_001035.3 (MANE Select); coding-DNA position 10076, T replaced by C.
Protein change: p.Phe3359Ser; replaces phenylalanine 3359 with serine.
Molecular consequence: missense variant.
Genome position (GRCh38, 1-based): chr1:237,709,032, T>C. VCF-style: chr1-237709032-T-C. GRCh37 (hg19) VCF-style: chr1-237872332-T-C.
Other names: c.10076T>C (NM_001035.2); short protein forms F3359S.
Identifiers: ClinVar variation 2695187 (VCV002695187.4), dbSNP rs2547412540, ClinGen allele CA345411011.

ClinVar aggregate classification (germline): Uncertain significance. Review status: criteria provided, multiple submitters, no conflicts (2 of 4 stars). 2 submissions from 2 submitters: Uncertain significance (2). Last evaluated 2024-04-05.

Conditions:
Catecholaminergic polymorphic ventricular tachycardia 1. Also called: VENTRICULAR TACHYCARDIA, CATECHOLAMINERGIC POLYMORPHIC, 1, WITH OR WITHOUT ATRIAL DYSFUNCTION AND/OR DILATED CARDIOMYOPATHY; VENTRICULAR TACHYCARDIA, STRESS-INDUCED POLYMORPHIC 1; RYR2-Related Catecholaminergic Polymorphic Ventricular Tachycardia. Identifiers: Orphanet 3286, MedGen C1631597, MONDO:0011484, OMIM 604772.

Allele frequency attached by ClinVar (database versions not stated): gnomAD exomes below 0.00001.
gnomAD v4.1: 1 of 1,612,578 alleles (0.000062%); highest among the groups gnomAD compares: Non-Finnish European, 0.000085%; no homozygotes.

Submissions (2):

GeneDx
Classification: Uncertain significance. Last evaluated: 2024-04-05. Review status: criteria provided, single submitter. Criteria: GeneDx Variant Classification Process June 2021. Collection method: clinical testing. Allele origin: germline. Affected: yes.
Comment: Not observed at significant frequency in large population cohorts (gnomAD); Not located in one of the three hot-spot regions of the RYR2 gene, where the majority of pathogenic missense variants occur (PMID: 19926015); In silico analysis supports that this missense variant has a deleterious effect on protein structure/function; Has not been previously published as pathogenic or benign to our knowledge; This variant is associated with the following publications: (PMID: 19926015)

Labcorp Genetics (formerly Invitae), Labcorp
Classification: Uncertain significance for Catecholaminergic polymorphic ventricular tachycardia 1. Last evaluated: 2023-11-12. Review status: criteria provided, single submitter. Criteria: Invitae Variant Classification Sherloc (09022015). Collection method: clinical testing. Allele origin: germline.
Comment: This sequence change replaces phenylalanine, which is neutral and non-polar, with serine, which is neutral and polar, at codon 3359 of the RYR2 protein (p.Phe3359Ser). This variant is not present in population databases (gnomAD no frequency). This variant has not been reported in the literature in individuals affected with RYR2-related conditions. Advanced modeling of protein sequence and biophysical properties (such as structural, functional, and spatial information, amino acid conservation, physicochemical variation, residue mobility, and thermodynamic stability) performed at Invitae indicates that this missense variant is expected to disrupt RYR2 protein function with a positive predictive value of 95%. In summary, the available evidence is currently insufficient to determine the role of this variant in disease. Therefore, it has been classified as a Variant of Uncertain Significance.